The following is an entry in ClinVar:

ClinVar aggregate classification (germline): Likely benign (0 of 4 stars; one submission).

Conditions:
PHIP-related disorder. Also called: PHIP-related condition; PHIP-related disorders.

gnomAD v4.1: 11 of 1,613,920 alleles (0.00068%); highest among the groups gnomAD compares: Admixed American, 0.018%; no homozygotes.

Submission:

PreventionGenetics, part of Exact Sciences
Classification: Likely benign for PHIP-related condition. Last evaluated: 2024-08-05. Review status: no assertion criteria provided. Collection method: clinical testing. Allele origin: germline.
Comment: This variant is classified as likely benign based on ACMG/AMP sequence variant interpretation guidelines (Richards et al. 2015 PMID: 25741868, with internal and published modifications).

NM_017934.7(PHIP):c.2166G>A (p.Arg722=)

Gene: PHIP (PHIP subunit of CUL4-Ring ligase complex; minus strand). Cytogenetic location: 6q14.1.
Variant type: single nucleotide variant.
Coding change: c.2166G>A on transcript NM_017934.7 (MANE Select); coding-DNA position 2166, G replaced by A.
Protein change: p.Arg722=; no amino-acid change (arginine 722 retained).
Molecular consequence: synonymous variant.
Genome position (GRCh38, 1-based): chr6:78,997,449, C>T on the plus strand (G>A on the coding strand, the complement: PHIP is on the minus strand). VCF-style: chr6-78997449-C-T. GRCh37 (hg19) VCF-style: chr6-79707166-C-T.
Identifiers: ClinVar variation 3344205 (VCV003344205.1).